The following is an entry in ClinVar:

NM_182931.3(KMT2E):c.2168G>A (p.Cys723Tyr)

Gene: KMT2E (lysine methyltransferase 2E (inactive); plus strand). Cytogenetic location: 7q22.3.
Variant type: single nucleotide variant.
Coding change: c.2168G>A on transcript NM_182931.3 (MANE Select); coding-DNA position 2168, G replaced by A.
Protein change: p.Cys723Tyr; replaces cysteine 723 with tyrosine.
Molecular consequence: missense variant.
Genome position (GRCh38, 1-based): chr7:105,102,166, G>A. VCF-style: chr7-105102166-G-A. GRCh37 (hg19) VCF-style: chr7-104742613-G-A.
Other names: c.2168G>A, p.Cys723Tyr (NM_018682.4); short protein forms C723Y.
Identifiers: ClinVar variation 1309919 (VCV001309919.2), dbSNP rs2129569524, ClinGen allele CA368785450.

ClinVar aggregate classification (germline): Uncertain significance (1 of 4 stars; one submission).

Submission:

GeneDx
Classification: Uncertain significance. Last evaluated: 2019-11-12. Review status: criteria provided, single submitter. Criteria: GeneDx Variant Classification Process June 2021. Collection method: clinical testing. Allele origin: germline. Affected: yes.
Comment: Not observed in large population cohorts (Lek et al., 2016); In silico analysis, which includes protein predictors and evolutionary conservation, supports a deleterious effect; Has not been previously published as pathogenic or benign to our knowledge